The following is an entry in ClinVar:

ClinVar aggregate classification (germline): Uncertain significance (1 of 4 stars; one submission).

Conditions:
Spermatogenic failure 18. Identifiers: MedGen C4539783, MONDO:0054615, OMIM 617576.
Ciliary dyskinesia, primary, 37 (CILD37). Also called: CILIARY DYSKINESIA, PRIMARY, 37, WITH OR WITHOUT SITUS INVERSUS. Identifiers: MedGen C4539798, MONDO:0033204, OMIM 617577.

Allele frequency attached by ClinVar (database versions not stated): gnomAD exomes 0.00002.
gnomAD v4.1: 23 of 1,605,388 alleles (0.0014%); highest among the groups gnomAD compares: Non-Finnish European, 0.002%; no homozygotes.

Submission:

Labcorp Genetics (formerly Invitae), Labcorp
Classification: Uncertain significance for Ciliary dyskinesia, primary, 37; Spermatogenic failure 18. Last evaluated: 2021-02-17. Review status: criteria provided, single submitter. Criteria: Invitae Variant Classification Sherloc (09022015). Collection method: clinical testing. Allele origin: germline.
Comment: This variant is not present in population databases (ExAC no frequency). This sequence change replaces cysteine with tyrosine at codon 2778 of the DNAH1 protein (p.Cys2778Tyr). The cysteine residue is highly conserved and there is a large physicochemical difference between cysteine and tyrosine. This variant has not been reported in the literature in individuals with DNAH1-related conditions. Algorithms developed to predict the effect of missense changes on protein structure and function are either unavailable or do not agree on the potential impact of this missense change (SIFT: "Deleterious"; PolyPhen-2: "Probably Damaging"; Align-GVGD: "Class C0"). In summary, the available evidence is currently insufficient to determine the role of this variant in disease. Therefore, it has been classified as a Variant of Uncertain Significance.

NM_015512.5(DNAH1):c.8333G>A (p.Cys2778Tyr)

Gene: DNAH1 (dynein axonemal heavy chain 1; plus strand). Cytogenetic location: 3p21.1.
Variant type: single nucleotide variant.
Coding change: c.8333G>A on transcript NM_015512.5 (MANE Select); coding-DNA position 8333, G replaced by A.
Protein change: p.Cys2778Tyr; replaces cysteine 2778 with tyrosine.
Molecular consequence: missense variant.
Genome position (GRCh38, 1-based): chr3:52,384,796, G>A. VCF-style: chr3-52384796-G-A. GRCh37 (hg19) VCF-style: chr3-52418812-G-A.
Other names: short protein forms C2778Y.
Identifiers: ClinVar variation 1461414 (VCV001461414.8), dbSNP rs1176704045, ClinGen allele CA353186914.